The following is an entry in ClinVar:

ClinVar aggregate classification (germline): Pathogenic (1 of 4 stars; one submission).

Conditions:
Lynch syndrome. Identifiers: Orphanet 144, MedGen C4552100, MONDO:0005835. Disease mechanism: loss of function.

Submission:

Labcorp Genetics (formerly Invitae), Labcorp
Classification: Pathogenic for Hereditary nonpolyposis colorectal neoplasms. Last evaluated: 2016-12-26. Review status: criteria provided, single submitter. Criteria: Invitae Variant Classification Sherloc (09022015). Collection method: clinical testing. Allele origin: germline.
Comment: This variant is a gross deletion of the genomic region encompassing exons 3-4 of the PMS2 gene. This creates a premature translational stop signal and is expected to result in an absent or disrupted protein product. While this particular variant has not been reported in the literature, loss-of-function and gross deletion variants in PMS2 are known to be pathogenic (PMID: 21376568, 24362816). For these reasons, this variant has been classified as Pathogenic.

NC_000007.14:g.(?_6003690)_(6004058_?)del

Gene: PMS2 (PMS1 homolog 2, mismatch repair system component; minus strand). Cytogenetic location: 7p22.1.
Variant type: Deletion.
Identifiers: ClinVar variation 417544 (VCV000417544.1).